The following is an entry in ClinVar:

NM_001292063.2(OTOG):c.5747_5750del (p.Gln1916fs)

Gene: OTOG (otogelin; plus strand). Cytogenetic location: 11p15.1.
Variant type: Deletion.
Coding change: c.5747_5750del on transcript NM_001292063.2 (MANE Select); coding-DNA positions 5747 to 5750, 4 bases deleted (AAGT; older notation c.5747_5750delAAGT).
Protein change: p.Gln1916fs; shifts the reading frame from glutamine 1916.
Molecular consequence: frameshift variant.
Genome position (GRCh38, 1-based): chr11:17,611,047-17,611,050, AAGT deleted. VCF-style (leftmost placement, unchanged base first): chr11-17611046-CAAGT-C. GRCh37 (hg19) VCF-style: chr11-17632593-CAAGT-C.
Other names: c.5783_5786del, p.Gln1928fs (NM_001277269.2); c.5783_5786del (NM_001277269.1); short protein forms Q1928fs, Q1916fs.
Identifiers: ClinVar variation 1444432 (VCV001444432.7), dbSNP rs1253030003, ClinGen allele CA597904893.

ClinVar aggregate classification (germline): Pathogenic/Likely pathogenic. Review status: criteria provided, multiple submitters, no conflicts (2 of 4 stars). 2 submissions from 2 submitters: Pathogenic (1); Likely pathogenic (1). Last evaluated 2025-02-12.

Allele frequency attached by ClinVar (database versions not stated): gnomAD 0.00001; TOPMed 0.00001; gnomAD exomes 0.00002 and 0.00004.

Submissions (2):

GeneDx
Classification: Likely pathogenic. Last evaluated: 2025-02-12. Review status: criteria provided, single submitter. Criteria: GeneDx Variant Classification Process June 2021. Collection method: clinical testing. Allele origin: germline. Affected: yes.
Comment: Frameshift variant predicted to result in protein truncation or nonsense mediated decay in a gene for which loss of function is a known mechanism of disease; Not observed at significant frequency in large population cohorts (gnomAD); Has not been previously published as pathogenic or benign to our knowledge

Labcorp Genetics (formerly Invitae), Labcorp
Classification: Pathogenic. Last evaluated: 2022-10-13. Review status: criteria provided, single submitter. Criteria: Invitae Variant Classification Sherloc (09022015). Collection method: clinical testing. Allele origin: germline.
Comment: For these reasons, this variant has been classified as Pathogenic. ClinVar contains an entry for this variant (Variation ID: 1444432). This variant has not been reported in the literature in individuals affected with OTOG-related conditions. This variant is present in population databases (no rsID available, gnomAD 0.006%). This sequence change creates a premature translational stop signal (p.Gln1928Argfs*50) in the OTOG gene. It is expected to result in an absent or disrupted protein product. Loss-of-function variants in OTOG are known to be pathogenic (PMID: 23122587).

Literature cited by the submitters: PubMed 23122587 (cited by Labcorp Genetics (formerly Invitae), Labcorp).